The following is an entry in ClinVar:

ClinVar aggregate classification (germline): Uncertain significance (1 of 4 stars; one submission).

Conditions:
Wilms tumor 1 (WT1). Also called: Wilms tumor, somatic. Identifiers: Orphanet 654, MedGen CN033288, MONDO:0008679, OMIM 194070.

Submission:

Labcorp Genetics (formerly Invitae), Labcorp
Classification: Uncertain significance for Wilms tumor 1. Last evaluated: 2025-12-02. Review status: criteria provided, single submitter. Criteria: Invitae Variant Classification Sherloc (09022015). Collection method: clinical testing. Allele origin: germline.
Comment: This sequence change replaces phenylalanine, which is neutral and non-polar, with leucine, which is neutral and non-polar, at codon 522 of the GPC3 protein (p.Phe522Leu). This variant is not present in population databases (gnomAD no frequency). This variant has not been reported in the literature in individuals affected with GPC3-related conditions. An algorithm developed to predict the effect of missense changes on protein structure and function (PolyPhen-2) suggests that this variant is likely to be disruptive. In summary, the available evidence is currently insufficient to determine the role of this variant in disease. Therefore, it has been classified as a Variant of Uncertain Significance.

NM_004484.4(GPC3):c.1564T>C (p.Phe522Leu)

Gene: GPC3 (glypican 3; minus strand). Cytogenetic location: Xq26.2.
Variant type: single nucleotide variant.
Coding change: c.1564T>C on transcript NM_004484.4 (MANE Select); coding-DNA position 1564, T replaced by C.
Protein change: p.Phe522Leu; replaces phenylalanine 522 with leucine.
Molecular consequence: missense variant.
Genome position (GRCh38, 1-based): chrX:133,596,449, A>G on the plus strand (T>C on the coding strand, the complement: GPC3 is on the minus strand). VCF-style: chrX-133596449-A-G. GRCh37 (hg19) VCF-style: chrX-132730477-A-G.
Other names: c.1633T>C, p.Phe545Leu (NM_001164617.2); c.1516T>C, p.Phe506Leu (NM_001164618.2); c.1402T>C, p.Phe468Leu (NM_001164619.2); short protein forms F522L, F545L, F468L, F506L.
Identifiers: ClinVar variation 4737219 (VCV004737219.1).